The following is an entry in ClinVar:

NM_172107.4(KCNQ2):c.1763+1679A>G

Gene: KCNQ2 (potassium voltage-gated channel subfamily Q member 2; minus strand). Cytogenetic location: 20q13.33.
Variant type: single nucleotide variant.
Coding change: c.1763+1679A>G on transcript NM_172107.4 (MANE Select); 1679 bases into the intron after coding-DNA position 1763, A replaced by G.
Molecular consequence: intron variant.
Genome position (GRCh38, 1-based): chr20:63,411,771, T>C on the plus strand (A>G on the coding strand, the complement: KCNQ2 is on the minus strand). VCF-style: chr20-63411771-T-C. GRCh37 (hg19) VCF-style: chr20-62043124-T-C.
Other names: c.1676+1679A>G (NM_001439004.1); c.1679+1679A>G (NM_004518.6); c.1670+1679A>G (NM_172108.5); c.1706+1679A>G (NM_001439003.1); c.1709+1679A>G (NM_172106.3); c.1817+4A>G (NM_001382235.1).
Identifiers: ClinVar variation 4874049 (VCV004874049.2).

ClinVar aggregate classification (germline): Likely benign (1 of 4 stars; one submission).

gnomAD v4.1: 17 of 603,560 alleles (0.0028%); highest among the groups gnomAD compares: Admixed American, 0.013%; no homozygotes.

Submission:

CeGaT Center for Human Genetics Tuebingen
Classification: Likely benign. Last evaluated: 2026-04-01. Review status: criteria provided, single submitter. Criteria: CeGaT Center For Human Genetics Tuebingen Variant Classification Criteria Version 2. Collection method: clinical testing. Allele origin: germline. Affected: yes. Observed: 1 variant allele.
Comment: KCNQ2: BP4